The following is an entry in ClinVar:

ClinVar aggregate classification (germline): Uncertain significance (1 of 4 stars; one submission).

Conditions:
Syndromic multisystem autoimmune disease due to ITCH deficiency. Also called: AUTOIMMUNE DISEASE, MULTISYSTEM, WITH FACIAL DYSMORPHISM. Identifiers: Orphanet 228426, MedGen C3150649, MONDO:0013245, OMIM 613385.

Allele frequency attached by ClinVar (database versions not stated): gnomAD exomes below 0.00001; TOPMed below 0.00001.
gnomAD v4.1: 1 of 1,614,064 alleles (0.000062%); highest among the groups gnomAD compares: Admixed American, 0.0017%; no homozygotes.

Submission:

Labcorp Genetics (formerly Invitae), Labcorp
Classification: Uncertain significance for Syndromic multisystem autoimmune disease due to ITCH deficiency. Last evaluated: 2024-01-08. Review status: criteria provided, single submitter. Criteria: Invitae Variant Classification Sherloc (09022015). Collection method: clinical testing. Allele origin: germline.
Comment: This sequence change replaces valine, which is neutral and non-polar, with isoleucine, which is neutral and non-polar, at codon 282 of the ITCH protein (p.Val282Ile). This variant is present in population databases (no rsID available, gnomAD 0.003%). This variant has not been reported in the literature in individuals affected with ITCH-related conditions. ClinVar contains an entry for this variant (Variation ID: 1491040). Algorithms developed to predict the effect of missense changes on protein structure and function output the following: SIFT: "Not Available"; PolyPhen-2: "Possibly Damaging"; Align-GVGD: "Not Available". The isoleucine amino acid residue is found in multiple mammalian species, which suggests that this missense change does not adversely affect protein function. In summary, the available evidence is currently insufficient to determine the role of this variant in disease. Therefore, it has been classified as a Variant of Uncertain Significance.

NM_031483.7(ITCH):c.844G>A (p.Val282Ile)

Gene: ITCH (itchy E3 ubiquitin protein ligase; plus strand). Cytogenetic location: 20q11.22.
Variant type: single nucleotide variant.
Coding change: c.844G>A on transcript NM_031483.7 (MANE Select); coding-DNA position 844, G replaced by A.
Protein change: p.Val282Ile; replaces valine 282 with isoleucine.
Molecular consequence: missense variant.
Genome position (GRCh38, 1-based): chr20:34,440,319, G>A. VCF-style: chr20-34440319-G-A. GRCh37 (hg19) VCF-style: chr20-33028124-G-A.
Other names: c.967G>A, p.Val323Ile (NM_001257137.3, NM_001324197.2); c.514G>A, p.Val172Ile (NM_001257138.3); c.844G>A, p.Val282Ile (NM_001324198.2); short protein forms V172I, V282I, V323I.
Identifiers: ClinVar variation 1491040 (VCV001491040.8), dbSNP rs1039152066, ClinGen allele CA313378408.